The following is an entry in ClinVar:

ClinVar aggregate classification (germline): Uncertain significance (1 of 4 stars; one submission).

Conditions:
Nephronophthisis 15 (NPHP15). Identifiers: Orphanet 3156, MedGen C3541853, MONDO:0013917, OMIM 614845.

gnomAD v4.1: 4 of 1,613,766 alleles (0.00025%); highest among the groups gnomAD compares: African/African-American, 0.0013%; no homozygotes.

Submission:

Labcorp Genetics (formerly Invitae), Labcorp
Classification: Uncertain significance for Nephronophthisis 15. Last evaluated: 2024-10-29. Review status: criteria provided, single submitter. Criteria: Invitae Variant Classification Sherloc (09022015). Collection method: clinical testing. Allele origin: germline.
Comment: This sequence change replaces glycine, which is neutral and non-polar, with tryptophan, which is neutral and slightly polar, at codon 249 of the CEP164 protein (p.Gly249Trp). This variant is not present in population databases (gnomAD no frequency). This variant has not been reported in the literature in individuals affected with CEP164-related conditions. ClinVar contains an entry for this variant (Variation ID: 2086532). An algorithm developed to predict the effect of missense changes on protein structure and function (PolyPhen-2) suggests that this variant is likely to be disruptive. In summary, the available evidence is currently insufficient to determine the role of this variant in disease. Therefore, it has been classified as a Variant of Uncertain Significance.

NM_014956.5(CEP164):c.745G>T (p.Gly249Trp)

Gene: CEP164 (centrosomal protein 164; plus strand). Cytogenetic location: 11q23.3.
Variant type: single nucleotide variant.
Coding change: c.745G>T on transcript NM_014956.5 (MANE Select); coding-DNA position 745, G replaced by T.
Protein change: p.Gly249Trp; replaces glycine 249 with tryptophan.
Molecular consequence: missense variant.
Genome position (GRCh38, 1-based): chr11:117,363,486, G>T. VCF-style: chr11-117363486-G-T. GRCh37 (hg19) VCF-style: chr11-117234202-G-T.
Other names: c.745G>T, p.Gly249Trp (NM_001271933.2); short protein forms G249W.
Identifiers: ClinVar variation 2086532 (VCV002086532.4), dbSNP rs373565225, ClinGen allele CA229386127.